The following is an entry in ClinVar:

ClinVar aggregate classification (germline): Uncertain significance (1 of 4 stars; one submission).

Conditions:
Familial thoracic aortic aneurysm and aortic dissection (TAAD). Also called: Thoracic aortic aneurysms and dissections. Identifiers: Orphanet 91387, MedGen C4707243, MONDO:0019625.

Submission:

Color Diagnostics, LLC DBA Color Health
Classification: Uncertain significance for Familial thoracic aortic aneurysm and aortic dissection. Last evaluated: 2025-12-15. Review status: criteria provided, single submitter. Criteria: ACMG Guidelines, 2015. Collection method: clinical testing. Allele origin: germline.
Comment: This missense variant replaces proline with threonine at codon 946 of the COL3A1 protein. Computational prediction suggests that this variant may not impact protein structure and function. To our knowledge, functional studies have not been reported for this variant. This variant has not been reported in individuals affected with COL3A1-related disorders in the literature. This variant has been identified in 0/1604706 chromosomes in the general population by the Genome Aggregation Database (gnomAD). The available evidence is insufficient to determine the role of this variant in disease conclusively. Therefore, this variant is classified as a Variant of Uncertain Significance.

NM_000090.4(COL3A1):c.2836C>A (p.Pro946Thr)

Gene: COL3A1 (collagen type III alpha 1 chain; plus strand). Cytogenetic location: 2q32.2.
Variant type: single nucleotide variant.
Coding change: c.2836C>A on transcript NM_000090.4 (MANE Select); coding-DNA position 2836, C replaced by A.
Protein change: p.Pro946Thr; replaces proline 946 with threonine.
Molecular consequence: missense variant.
Genome position (GRCh38, 1-based): chr2:189,004,269, C>A. VCF-style: chr2-189004269-C-A. GRCh37 (hg19) VCF-style: chr2-189868995-C-A.
Other names: short protein forms P946T.
Identifiers: ClinVar variation 4756367 (VCV004756367.1).
Genomic context (GRCh38, chr2:189,004,269, plus strand): 5'-AAAACACTGTCACATAAAGATGAGCTAAGTCTTCATTATCTGTATTAGGGAGCTCCAGGC[C>A]CACTTGGGATTGCTGGGATCACTGGAGCACGGGGTCTTGCAGGACCACCAGGCATGCCAG-3'
Protein context (NP_000081.2, residues 936-956): GAQGPPGAPG[Pro946Thr]LGIAGITGAR